The following is an entry in ClinVar:

ClinVar aggregate classification (germline): Likely benign. Review status: criteria provided, multiple submitters, no conflicts (2 of 4 stars). 4 submissions from 4 submitters: Likely benign (3). 1 of the submissions does not count toward it. Last evaluated 2025-11-09.

Conditions:
NEXN-related disorder. Also called: NEXN-related condition; NEXN-related disorders.
Hypertrophic cardiomyopathy 20. Identifiers: MedGen C3151267, MONDO:0013477, OMIM 613876.
Dilated cardiomyopathy 1CC (CMD1CC). Identifiers: Orphanet 154, MedGen C2751084, MONDO:0013147, OMIM 613122.
Cardiovascular phenotype. Identifiers: MedGen CN230736.

Allele frequency attached by ClinVar (database versions not stated): gnomAD 0.00001 and 0.00002; ExAC 0.00002; gnomAD exomes 0.00003 and 0.00004; TOPMed 0.00003.
gnomAD v4.1: 43 of 1,613,890 alleles (0.0027%); highest among the groups gnomAD compares: Admixed American, 0.005%; no homozygotes.

Submissions (4):

Labcorp Genetics (formerly Invitae), Labcorp
Classification: Likely benign for Dilated cardiomyopathy 1CC; Hypertrophic cardiomyopathy 20. Last evaluated: 2025-11-09. Review status: criteria provided, single submitter. Criteria: Invitae Variant Classification Sherloc (09022015). Collection method: clinical testing. Allele origin: germline.

Blueprint Genetics
Classification: Likely benign. Last evaluated: 2024-11-22. Review status: criteria provided, single submitter. Criteria: ACMG Guidelines, 2015. Collection method: clinical testing. Allele origin: germline.

Ambry Genetics
Classification: Likely benign for Cardiovascular phenotype. Last evaluated: 2021-05-19. Review status: criteria provided, single submitter. Criteria: Ambry Variant Classification Scheme 2023. Collection method: clinical testing. Allele origin: germline.

PreventionGenetics, part of Exact Sciences
Classification: Likely benign for NEXN-related condition. Last evaluated: 2019-06-11. Review status: no assertion criteria provided. Collection method: clinical testing. Allele origin: germline. Not counted in ClinVar's aggregate classification.
Comment: This variant is classified as likely benign based on ACMG/AMP sequence variant interpretation guidelines (Richards et al. 2015 PMID: 25741868, with internal and published modifications).

NM_144573.4(NEXN):c.1419A>G (p.Arg473=)

Gene: NEXN (nexilin F-actin binding protein; plus strand). Cytogenetic location: 1p31.1.
Variant type: single nucleotide variant.
Coding change: c.1419A>G on transcript NM_144573.4 (MANE Select); coding-DNA position 1419, A replaced by G.
Protein change: p.Arg473=; no amino-acid change (arginine 473 retained).
Molecular consequence: synonymous variant.
Genome position (GRCh38, 1-based): chr1:77,935,990, A>G. VCF-style: chr1-77935990-A-G. GRCh37 (hg19) VCF-style: chr1-78401675-A-G.
Other names: c.1227A>G, p.Arg409= (NM_001172309.2).
Identifiers: ClinVar variation 1101985 (VCV001101985.14), dbSNP rs140900323, ClinGen allele CA918875.